The following is an entry in ClinVar:

NM_024301.5(FKRP):c.159_160delinsTT (p.Arg54Trp)

Gene: FKRP (fukutin related protein; plus strand). Cytogenetic location: 19q13.32.
Variant type: Indel.
Coding change: c.159_160delinsTT on transcript NM_024301.5 (MANE Select); coding-DNA positions 159 to 160, GC replaced by TT.
Protein change: p.Arg54Trp; replaces arginine 54 with tryptophan.
Molecular consequence: missense variant.
Genome position (GRCh38, 1-based): chr19:46,755,609-46,755,610, GC replaced by TT. VCF-style: chr19-46755609-GC-TT. GRCh37 (hg19) VCF-style: chr19-47258866-GC-TT.
Other names: c.159_160delinsTT, p.Arg54Trp (NM_001039885.3); short protein forms R54W.
Identifiers: ClinVar variation 3339462 (VCV003339462.3).

ClinVar aggregate classification (germline): Pathogenic. Review status: criteria provided, multiple submitters, no conflicts (2 of 4 stars). 2 submissions from 2 submitters: Pathogenic (2). Last evaluated 2024-12-23.

Conditions:
Autosomal recessive limb-girdle muscular dystrophy. Identifiers: Orphanet 102015, MedGen C2931907, MONDO:0015152.
Walker-Warburg congenital muscular dystrophy. Also called: Muscular dystrophy-dystroglycanopathy, type A; Walker-Warburg syndrome. Identifiers: Orphanet 899, MedGen C0265221, MONDO:0000171.

Submissions (2):

Labcorp Genetics (formerly Invitae), Labcorp
Classification: Pathogenic for Walker-Warburg congenital muscular dystrophy. Last evaluated: 2024-12-23. Review status: criteria provided, single submitter. Criteria: Invitae Variant Classification Sherloc (09022015). Collection method: clinical testing. Allele origin: germline.
Comment: This sequence change replaces arginine, which is basic and polar, with tryptophan, which is neutral and slightly polar, at codon 54 of the FKRP protein (p.Arg54Trp). Information on the frequency of this variant in the gnomAD database is not available, as this variant may be reported differently in the database. This missense change has been observed in individual(s) with limb-girdle muscular dystrophy (PMID: 14523375). It has also been observed to segregate with disease in related individuals. Experimental studies and prediction algorithms are not available or were not evaluated, and the functional significance of this variant is currently unknown. This variant disrupts the p.Arg54 amino acid residue in FKRP. Other variant(s) that disrupt this residue have been determined to be pathogenic (PMID: 33200426). This suggests that this residue is clinically significant, and that variants that disrupt this residue are likely to be disease-causing. For these reasons, this variant has been classified as Pathogenic.

Women's Health and Genetics/Laboratory Corporation of America, LabCorp
Classification: Pathogenic for Autosomal recessive limb-girdle muscular dystrophy. Last evaluated: 2024-07-18. Review status: criteria provided, single submitter. Criteria: LabCorp Variant Classification Summary - May 2015. Collection method: clinical testing. Allele origin: germline.
Comment: Variant summary: FKRP c.159_160delinsTT (p.Arg54Trp) is part of a multinucleotide combination of c.159G>T, p.Val53Val and c.160C>T,p.Arg54Trp that results in a non-conservative amino acid change in the encoded protein sequence. Four of five in-silico tools predict a damaging effect of the variant on protein function. The FKRP c.159_160delinsTT variant was absent in 1605346 control chromosomes. The available data on variant occurrences in the general population are insufficient to allow any conclusion about variant significance. To our knowledge, no occurrence of c.159_160delinsTT in individuals affected with Limb-Girdle Muscular Dystrophy, Autosomal Recessive and no experimental evidence demonstrating its impact on protein function have been reported, however c.160C>T,p.Arg54Trp has been reported in multiple individuals affected with Limb-Girdle Muscular Dystrophy, Autosomal Recessive (example: Harel_2004) and is classified pathogenic by our lab and in ClinVar (CV ID 4228). The following publication has been ascertained in the context of this evaluation (PMID: 14523375). No submitters have cited clinical-significance assessments for this variant to ClinVar. Based on the evidence outlined above, the variant was classified as Pathogenic.

Literature cited by the submitters: PubMed 14523375 (cited by Labcorp Genetics (formerly Invitae), Labcorp and Women's Health and Genetics/Laboratory Corporation of America, LabCorp); PubMed 33200426 (cited by Labcorp Genetics (formerly Invitae), Labcorp).